The following is an entry in ClinVar:

ClinVar aggregate classification (germline): Uncertain significance. Review status: criteria provided, multiple submitters, no conflicts (2 of 4 stars). 2 submissions from 2 submitters: Uncertain significance (2). Last evaluated 2024-05-21.

Conditions:
Brugada syndrome. Also called: Sudden unexpected nocturnal death syndrome; Sudden unexplained nocturnal death syndrome; Sudden Unexplained Death Syndrome; Sudden Unexplained Nocturnal Death Syndrome (SUNDS). Identifiers: Orphanet 130, MedGen C1142166, MONDO:0015263.

Submissions (2):

Blueprint Genetics
Classification: Uncertain significance. Last evaluated: 2024-05-21. Review status: criteria provided, single submitter. Criteria: ACMG Guidelines, 2015. Collection method: clinical testing. Allele origin: germline.

Labcorp Genetics (formerly Invitae), Labcorp
Classification: Uncertain significance for Brugada syndrome. Last evaluated: 2023-10-23. Review status: criteria provided, single submitter. Criteria: Invitae Variant Classification Sherloc (09022015). Collection method: clinical testing. Allele origin: germline.
Comment: This sequence change replaces aspartic acid, which is acidic and polar, with glycine, which is neutral and non-polar, at codon 632 of the CACNA2D1 protein (p.Asp632Gly). This variant is not present in population databases (gnomAD no frequency). This variant has not been reported in the literature in individuals affected with CACNA2D1-related conditions. An algorithm developed to predict the effect of missense changes on protein structure and function (PolyPhen-2) suggests that this variant is likely to be tolerated. In summary, the available evidence is currently insufficient to determine the role of this variant in disease. Therefore, it has been classified as a Variant of Uncertain Significance.

NM_000722.4(CACNA2D1):c.1895A>G (p.Asp632Gly)

Gene: CACNA2D1 (calcium voltage-gated channel auxiliary subunit alpha2delta 1; minus strand). Cytogenetic location: 7q21.11.
Variant type: single nucleotide variant.
Coding change: c.1895A>G on transcript NM_000722.4 (MANE Select); coding-DNA position 1895, A replaced by G.
Protein change: p.Asp632Gly; replaces aspartic acid 632 with glycine.
Molecular consequence: missense variant.
Genome position (GRCh38, 1-based): chr7:81,982,627, T>C on the plus strand (A>G on the coding strand, the complement: CACNA2D1 is on the minus strand). VCF-style: chr7-81982627-T-C. GRCh37 (hg19) VCF-style: chr7-81611943-T-C.
Other names: c.1931A>G, p.Tyr644Cys (NM_001366867.1); short protein forms D632G, Y644C.
Identifiers: ClinVar variation 2770413 (VCV002770413.4), dbSNP rs2484782921, ClinGen allele CA367895373.